The following is an entry in ClinVar:

ClinVar aggregate classification (germline): Benign/Likely benign. Review status: criteria provided, multiple submitters, no conflicts (2 of 4 stars). 2 submissions from 2 submitters: Benign (1); Likely benign (1). Last evaluated 2026-01-17.

Allele frequency attached by ClinVar (database versions not stated): gnomAD exomes 0.00042; ExAC 0.00058; gnomAD 0.00162 and 0.00172; TOPMed 0.00186; 1000 Genomes Project 30x 0.00219; 1000 Genomes Project 0.00240; ESP Exome Variant Server 0.00254.
gnomAD v4.1: 503 of 1,614,150 alleles (0.031%); highest among the groups gnomAD compares: African/African-American, 0.61%; 4 homozygotes.

Submissions (2):

Labcorp Genetics (formerly Invitae), Labcorp
Classification: Benign. Last evaluated: 2026-01-17. Review status: criteria provided, single submitter. Criteria: Invitae Variant Classification Sherloc (09022015). Collection method: clinical testing. Allele origin: germline.

CeGaT Center for Human Genetics Tuebingen
Classification: Likely benign. Last evaluated: 2025-11-01. Review status: criteria provided, single submitter. Criteria: CeGaT Center For Human Genetics Tuebingen Variant Classification Criteria Version 2. Collection method: clinical testing. Allele origin: germline. Affected: yes. Observed: 1 variant allele.
Comment: PLEKHG2: BP4, BP7

NM_022835.3(PLEKHG2):c.2784G>A (p.Pro928=)

Gene: PLEKHG2 (pleckstrin homology and RhoGEF domain containing G2; plus strand). Cytogenetic location: 19q13.2.
Variant type: single nucleotide variant.
Coding change: c.2784G>A on transcript NM_022835.3 (MANE Select); coding-DNA position 2784, G replaced by A.
Protein change: p.Pro928=; no amino-acid change (proline 928 retained).
Molecular consequence: synonymous variant. On other transcripts: intron variant (1).
Genome position (GRCh38, 1-based): chr19:39,423,917, G>A. VCF-style: chr19-39423917-G-A. GRCh37 (hg19) VCF-style: chr19-39914557-G-A.
Other names: c.2607G>A, p.Pro869= (NM_001351693.2); c.1678-1321G>A (NM_001351694.2).
Identifiers: ClinVar variation 712862 (VCV000712862.15), dbSNP rs73547959, ClinGen allele CA9429865.